The following is an entry in ClinVar:

NM_001287.6(CLCN7):c.1309G>T (p.Asp437Tyr)

Gene: CLCN7 (chloride voltage-gated channel 7; minus strand). Cytogenetic location: 16p13.3.
Variant type: single nucleotide variant.
Coding change: c.1309G>T on transcript NM_001287.6 (MANE Select); coding-DNA position 1309, G replaced by T.
Protein change: p.Asp437Tyr; replaces aspartic acid 437 with tyrosine.
Molecular consequence: missense variant.
Genome position (GRCh38, 1-based): chr16:1,452,799, C>A on the plus strand (G>T on the coding strand, the complement: CLCN7 is on the minus strand). VCF-style: chr16-1452799-C-A. GRCh37 (hg19) VCF-style: chr16-1502800-C-A.
Other names: c.1237G>T, p.Asp413Tyr (NM_001114331.3); short protein forms D437Y, D413Y.
Identifiers: ClinVar variation 4721924 (VCV004721924.1).

ClinVar aggregate classification (germline): Uncertain significance (1 of 4 stars; one submission).

Submission:

Labcorp Genetics (formerly Invitae), Labcorp
Classification: Uncertain significance. Last evaluated: 2025-07-24. Review status: criteria provided, single submitter. Criteria: Invitae Variant Classification Sherloc (09022015). Collection method: clinical testing. Allele origin: germline.
Comment: This sequence change replaces aspartic acid, which is acidic and polar, with tyrosine, which is neutral and polar, at codon 437 of the CLCN7 protein (p.Asp437Tyr). This variant is not present in population databases (gnomAD no frequency). This variant has not been reported in the literature in individuals affected with CLCN7-related conditions. An algorithm developed to predict the effect of missense changes on protein structure and function (PolyPhen-2) suggests that this variant is likely to be disruptive. In summary, the available evidence is currently insufficient to determine the role of this variant in disease. Therefore, it has been classified as a Variant of Uncertain Significance.